The following is an entry in ClinVar:

NM_001083961.2(WDR62):c.4427T>C (p.Val1476Ala)

Gene: WDR62 (WD repeat domain 62; plus strand). Cytogenetic location: 19q13.12.
Variant type: single nucleotide variant.
Coding change: c.4427T>C on transcript NM_001083961.2 (MANE Select); coding-DNA position 4427, T replaced by C.
Protein change: p.Val1476Ala; replaces valine 1476 with alanine.
Molecular consequence: missense variant.
Genome position (GRCh38, 1-based): chr19:36,104,883, T>C. VCF-style: chr19-36104883-T-C. GRCh37 (hg19) VCF-style: chr19-36595785-T-C.
Other names: c.4412T>C, p.Val1471Ala (NM_001411145.1, NM_173636.5); c.4178T>C, p.Val1393Ala (NM_001411146.1); c.4076T>C, p.Val1359Ala (NM_001411147.1); short protein forms V1359A, V1393A, V1471A, V1476A.
Identifiers: ClinVar variation 2177277 (VCV002177277.4), dbSNP rs1973653215, ClinGen allele CA405462805.

ClinVar aggregate classification (germline): Uncertain significance (1 of 4 stars; one submission).

Allele frequency attached by ClinVar (database versions not stated): gnomAD exomes below 0.00001; TOPMed 0.00001.
gnomAD v4.1: 1 of 1,612,322 alleles (0.000062%); highest among the groups gnomAD compares: Admixed American, 0.0017%; no homozygotes.

Submission:

Labcorp Genetics (formerly Invitae), Labcorp
Classification: Uncertain significance. Last evaluated: 2022-03-09. Review status: criteria provided, single submitter. Criteria: Invitae Variant Classification Sherloc (09022015). Collection method: clinical testing. Allele origin: germline.
Comment: This variant is not present in population databases (gnomAD no frequency). In summary, the available evidence is currently insufficient to determine the role of this variant in disease. Therefore, it has been classified as a Variant of Uncertain Significance. Algorithms developed to predict the effect of missense changes on protein structure and function output the following: SIFT: "Tolerated"; PolyPhen-2: "Benign"; Align-GVGD: "Class C0". The alanine amino acid residue is found in multiple mammalian species, which suggests that this missense change does not adversely affect protein function. This variant has not been reported in the literature in individuals affected with WDR62-related conditions. This sequence change replaces valine, which is neutral and non-polar, with alanine, which is neutral and non-polar, at codon 1476 of the WDR62 protein (p.Val1476Ala).